The following is an entry in ClinVar:

NM_024334.3(TMEM43):c.473G>A (p.Ser158Asn)

Gene: TMEM43 (transmembrane protein 43; plus strand). Cytogenetic location: 3p25.1.
Variant type: single nucleotide variant.
Coding change: c.473G>A on transcript NM_024334.3 (MANE Select); coding-DNA position 473, G replaced by A.
Protein change: p.Ser158Asn; replaces serine 158 with asparagine.
Molecular consequence: missense variant.
Genome position (GRCh38, 1-based): chr3:14,132,896, G>A. VCF-style: chr3-14132896-G-A. GRCh37 (hg19) VCF-style: chr3-14174396-G-A.
Other names: c.473G>A (NM_024334.2); short protein forms S158N.
Identifiers: ClinVar variation 1463341 (VCV001463341.6), dbSNP rs1695116123, ClinGen allele CA351535164.
Genomic context (GRCh38, chr3:14,132,896, plus strand): 5'-GGCTCTGAGTTGATTCCTCTCCCTGAGCAGACACTGAATGGAGGTCAGAAATCATCAACA[G>A]CAAAAACTTCGACCGAGAGATTGGCCACAAAAACCCCAGGTGAGAGCCAGGCCCAAGGCC-3'
Protein context (NP_077310.1, residues 148-168): NTEWRSEIIN[Ser158Asn]KNFDREIGHK

ClinVar aggregate classification (germline): Uncertain significance. Review status: criteria provided, multiple submitters, no conflicts (2 of 4 stars). 4 submissions from 4 submitters: Uncertain significance (4). Last evaluated 2025-12-16.

Conditions:
Cardiomyopathy (CMYO). Also called: Cardiomyopathies. Identifiers: Orphanet 167848, MedGen C0878544, MONDO:0004994, HP:0001638. Inheritance: Various modes of inheritance.
Arrhythmogenic right ventricular dysplasia 5. Also called: Arrhythmogenic Right Ventricular Dysplasia/Cardiomyopathy 5; ARRHYTHMOGENIC RIGHT VENTRICULAR DYSPLASIA, FAMILIAL, 5. Identifiers: MedGen C1858379, MONDO:0011459, OMIM 604400.
Cardiovascular phenotype. Identifiers: MedGen CN230736.

Allele frequency attached by ClinVar (database versions not stated): gnomAD exomes below 0.00001.
gnomAD v4.1: 1 of 1,614,054 alleles (0.000062%); highest among the groups gnomAD compares: Admixed American, 0.0017%; no homozygotes.

Submissions (4):

Ambry Genetics
Classification: Uncertain significance for Cardiovascular phenotype. Last evaluated: 2025-12-16. Review status: criteria provided, single submitter. Criteria: Ambry Variant Classification Scheme 2023. Collection method: clinical testing. Allele origin: germline.
Comment: The p.S158N variant (also known as c.473G>A), located in coding exon 6 of the TMEM43 gene, results from a G to A substitution at nucleotide position 473. The serine at codon 158 is replaced by asparagine, an amino acid with highly similar properties. This amino acid position is conserved. In addition, the in silico prediction for this alteration is inconclusive. Based on the available evidence, the clinical significance of this variant remains unclear.

Color Diagnostics, LLC DBA Color Health
Classification: Uncertain significance for Cardiomyopathy. Last evaluated: 2025-06-29. Review status: criteria provided, single submitter. Criteria: ACMG Guidelines, 2015. Collection method: clinical testing. Allele origin: germline.
Comment: This missense variant replaces serine with asparagine at codon 158 of the TMEM43 protein. Computational prediction suggests that this variant may not impact protein structure and function. To our knowledge, functional studies have not been reported for this variant. This variant has not been reported in individuals affected with TMEM43-related disorders in the literature. This variant has not been identified in the general population by the Genome Aggregation Database (gnomAD). The available evidence is insufficient to determine the role of this variant in disease conclusively. Therefore, this variant is classified as a Variant of Uncertain Significance.

Labcorp Genetics (formerly Invitae), Labcorp
Classification: Uncertain significance for Arrhythmogenic right ventricular dysplasia 5. Last evaluated: 2025-04-14. Review status: criteria provided, single submitter. Criteria: Invitae Variant Classification Sherloc (09022015). Collection method: clinical testing. Allele origin: germline.
Comment: This sequence change replaces serine, which is neutral and polar, with asparagine, which is neutral and polar, at codon 158 of the TMEM43 protein (p.Ser158Asn). This variant is not present in population databases (gnomAD no frequency). This variant has not been reported in the literature in individuals affected with TMEM43-related conditions. ClinVar contains an entry for this variant (Variation ID: 1463341). Invitae Evidence Modeling of protein sequence and biophysical properties (such as structural, functional, and spatial information, amino acid conservation, physicochemical variation, residue mobility, and thermodynamic stability) indicates that this missense variant is expected to disrupt TMEM43 protein function with a positive predictive value of 80%. In summary, the available evidence is currently insufficient to determine the role of this variant in disease. Therefore, it has been classified as a Variant of Uncertain Significance.

Molecular Diagnostic Laboratory for Inherited Cardiovascular Disease, Montreal Heart Institute
Classification: Uncertain significance for Cardiovascular phenotype. Last evaluated: 2025-04-09. Review status: criteria provided, single submitter. Criteria: ACMG Guidelines, 2015. Collection method: clinical testing. Allele origin: germline. Affected: yes.